The following is an entry in ClinVar:

NM_001102469.2(LIPN):c.1108G>T (p.Asp370Tyr)

Gene: LIPN (lipase family member N; plus strand). Cytogenetic location: 10q23.31.
Variant type: single nucleotide variant.
Coding change: c.1108G>T on transcript NM_001102469.2 (MANE Select); coding-DNA position 1108, G replaced by T.
Protein change: p.Asp370Tyr; replaces aspartic acid 370 with tyrosine.
Molecular consequence: missense variant.
Genome position (GRCh38, 1-based): chr10:88,778,153, G>T. VCF-style: chr10-88778153-G-T. GRCh37 (hg19) VCF-style: chr10-90537910-G-T.
Other names: short protein forms D370Y.
Identifiers: ClinVar variation 774684 (VCV000774684.24), dbSNP rs41284092, ClinGen allele CA5592045.

ClinVar aggregate classification (germline): Benign/Likely benign. Review status: criteria provided, multiple submitters, no conflicts (2 of 4 stars). 2 submissions from 2 submitters: Benign (1); Likely benign (1). Last evaluated 2025-10-13.

Allele frequency attached by ClinVar (database versions not stated): 1000 Genomes Project 30x 0.00234; 1000 Genomes Project 0.00240; TOPMed 0.00284; ESP Exome Variant Server 0.00407; gnomAD 0.00547 and 0.00555; ExAC 0.00572; gnomAD exomes 0.00589 and 0.00630.
gnomAD v4.1: 9,425 of 1,613,544 alleles (0.58%); highest among the groups gnomAD compares: Non-Finnish European, 0.54%; 79 homozygotes.

Submissions (2):

Labcorp Genetics (formerly Invitae), Labcorp
Classification: Benign. Last evaluated: 2025-10-13. Review status: criteria provided, single submitter. Criteria: Invitae Variant Classification Sherloc (09022015). Collection method: clinical testing. Allele origin: germline.

CeGaT Center for Human Genetics Tuebingen
Classification: Likely benign. Last evaluated: 2024-11-01. Review status: criteria provided, single submitter. Criteria: CeGaT Center For Human Genetics Tuebingen Variant Classification Criteria Version 2. Collection method: clinical testing. Allele origin: germline. Affected: yes. Observed: 1 variant allele.
Comment: LIPN: BP4, BS2